The following is an entry in ClinVar:

NM_031308.4(EPPK1):c.3023T>G (p.Ile1008Ser)

Gene: EPPK1 (epiplakin 1; minus strand). Cytogenetic location: 8q24.3.
Variant type: single nucleotide variant.
Coding change: c.3023T>G on transcript NM_031308.4 (MANE Select); coding-DNA position 3023, T replaced by G.
Protein change: p.Ile1008Ser; replaces isoleucine 1008 with serine.
Molecular consequence: missense variant.
Genome position (GRCh38, 1-based): chr8:143,870,231, A>C on the plus strand (T>G on the coding strand, the complement: EPPK1 is on the minus strand). VCF-style: chr8-143870231-A-C. GRCh37 (hg19) VCF-style: chr8-144944399-A-C.
Other names: short protein forms I1008S.
Identifiers: ClinVar variation 3049255 (VCV003049255.2), dbSNP rs141788635, ClinGen allele CA4922889.

ClinVar aggregate classification (germline): Benign (0 of 4 stars; one submission).

Conditions:
EPPK1-related disorder. Also called: EPPK1-related condition.

Allele frequency attached by ClinVar (database versions not stated): gnomAD exomes 0.00032; gnomAD 0.00067; TOPMed 0.00080; ExAC 0.00206; 1000 Genomes Project 0.00499; 1000 Genomes Project 30x 0.00500.
gnomAD v4.1: 605 of 1,606,512 alleles (0.038%); highest among the groups gnomAD compares: East Asian, 1.1%; 9 homozygotes.

Submission:

PreventionGenetics, part of Exact Sciences
Classification: Benign for EPPK1-related condition. Last evaluated: 2021-04-28. Review status: no assertion criteria provided. Collection method: clinical testing. Allele origin: germline.
Comment: This variant is classified as benign based on ACMG/AMP sequence variant interpretation guidelines (Richards et al. 2015 PMID: 25741868, with internal and published modifications).